The following is an entry in ClinVar:

ClinVar aggregate classification (germline): Uncertain significance (1 of 4 stars; one submission).

Conditions:
Familial thoracic aortic aneurysm and aortic dissection (TAAD). Also called: Thoracic aortic aneurysms and dissections. Identifiers: Orphanet 91387, MedGen C4707243, MONDO:0019625.

Submission:

Color Diagnostics, LLC DBA Color Health
Classification: Uncertain significance for Familial thoracic aortic aneurysm and aortic dissection. Last evaluated: 2024-03-06. Review status: criteria provided, single submitter. Criteria: ACMG Guidelines, 2015. Collection method: clinical testing. Allele origin: germline.
Comment: This missense variant replaces arginine with lysine at codon 2369 of the FBN1 protein. Computational prediction suggests that this variant may have deleterious impact on protein structure and function (internally defined REVEL score threshold >= 0.7, PMID: 27666373). To our knowledge, functional studies have not been reported for this variant. This variant has not been reported in individuals affected with cardiovascular disorders in the literature. This variant has not been identified in the general population by the Genome Aggregation Database (gnomAD). The available evidence is insufficient to determine the role of this variant in disease conclusively. Therefore, this variant is classified as a Variant of Uncertain Significance.

NM_000138.5(FBN1):c.7106G>A (p.Arg2369Lys)

Gene: FBN1 (fibrillin 1; minus strand). Cytogenetic location: 15q21.1.
Variant type: single nucleotide variant.
Coding change: c.7106G>A on transcript NM_000138.5 (MANE Select); coding-DNA position 7106, G replaced by A.
Protein change: p.Arg2369Lys; replaces arginine 2369 with lysine.
Molecular consequence: missense variant.
Genome position (GRCh38, 1-based): chr15:48,427,665, C>T on the plus strand (G>A on the coding strand, the complement: FBN1 is on the minus strand). VCF-style: chr15-48427665-C-T. GRCh37 (hg19) VCF-style: chr15-48719862-C-T.
Other names: c.7106G>A, p.Arg2369Lys (NM_001406716.1); short protein forms R2369K.
Identifiers: ClinVar variation 2773319 (VCV002773319.2), dbSNP rs2505412359, ClinGen allele CA392329770.